The following is an entry in ClinVar:

NM_018669.6(WDR4):c.43G>A (p.Val15Met)

Gene: WDR4 (WDR4 tRNA N7-guanosine methyltransferase non-catalytic subunit; minus strand). Cytogenetic location: 21q22.3.
Variant type: single nucleotide variant.
Coding change: c.43G>A on transcript NM_018669.6 (MANE Select); coding-DNA position 43, G replaced by A.
Protein change: p.Val15Met; replaces valine 15 with methionine.
Molecular consequence: missense variant. On other transcripts: 5 prime UTR variant (2), intron variant (1).
Genome position (GRCh38, 1-based): chr21:42,879,453, C>T on the plus strand (G>A on the coding strand, the complement: WDR4 is on the minus strand). VCF-style: chr21-42879453-C-T. GRCh37 (hg19) VCF-style: chr21-44299563-C-T.
Other names: c.43G>A, p.Val15Met (NM_001260474.2, NM_033661.5); c.-344G>A (NM_001260475.2); c.-759G>A (NM_001260477.2); c.-298+60G>A (NM_001260476.2); short protein forms V15M.
Identifiers: ClinVar variation 3641316 (VCV003641316.2).

ClinVar aggregate classification (germline): Uncertain significance (1 of 4 stars; one submission).

Submission:

Labcorp Genetics (formerly Invitae), Labcorp
Classification: Uncertain significance. Last evaluated: 2024-03-27. Review status: criteria provided, single submitter. Criteria: Invitae Variant Classification Sherloc (09022015). Collection method: clinical testing. Allele origin: germline.
Comment: This sequence change replaces valine, which is neutral and non-polar, with methionine, which is neutral and non-polar, at codon 15 of the WDR4 protein (p.Val15Met). This variant is not present in population databases (gnomAD no frequency). This variant has not been reported in the literature in individuals affected with WDR4-related conditions. An algorithm developed to predict the effect of missense changes on protein structure and function (PolyPhen-2) suggests that this variant is likely to be disruptive. In summary, the available evidence is currently insufficient to determine the role of this variant in disease. Therefore, it has been classified as a Variant of Uncertain Significance.